The following is an entry in ClinVar:

ClinVar aggregate classification (germline): Likely pathogenic. Review status: criteria provided, multiple submitters, no conflicts (2 of 4 stars). 3 submissions from 3 submitters: Likely pathogenic (2). 1 of the submissions does not count toward it. Last evaluated 2024-10-18.

Conditions:
beta Thalassemia (BTHAL). Also called: Cooley's anemia; Erythroblastic anemia; Mediterranean anemia. Identifiers: Orphanet 848, MedGen C0005283, MONDO:0019402. Disease mechanism: loss of function.

Allele frequency attached by ClinVar (database versions not stated): TOPMed below 0.00001.
gnomAD v4.1: 2 of 1,614,036 alleles (0.00012%); highest among the groups gnomAD compares: Non-Finnish European, 0.00017%; no homozygotes.

Submissions (3):

Quest Diagnostics Nichols Institute San Juan Capistrano
Classification: Likely pathogenic. Last evaluated: 2024-10-18. Review status: criteria provided, single submitter. Criteria: Quest Diagnostics criteria. Collection method: clinical testing. Allele origin: unknown.
Comment: The HBB c.316-1G>T variant disrupts a canonical splice-acceptor site and is predicted to interfere with normal HBB mRNA splicing. This variant has been reported in the published literature in individuals affected with microcytic anemia or beta-thalassemia (PMID: 9101288 (1997), 12368169 (2002), 26290351 (2015), 33335418 (2020), and 38322302 (2024)). This variant has not been reported in large, multi-ethnic general populations (Genome Aggregation Database). Based on the available information, this variant is classified as likely pathogenic

Women's Health and Genetics/Laboratory Corporation of America, LabCorp
Classification: Likely pathogenic for beta Thalassemia. Last evaluated: 2019-08-07. Review status: criteria provided, single submitter. Criteria: LabCorp Variant Classification Summary - May 2015. Collection method: clinical testing. Allele origin: germline.
Comment: Variant summary: HBB c.316-1G>T is located in a canonical splice-site and is predicted to affect mRNA splicing resulting in a significantly altered protein due to either exon skipping, shortening, or inclusion of intronic material. 5/5 computational tools predict that the variant significantly impacts normal splicing by abolishing a 3' acceptor site. However, these predictions have yet to be confirmed by functional studies. The variant was absent in 251150 control chromosomes (gnomAD). c.316-1G>T has been reported in the literature in individuals affected with Beta Thalassemia (Najmabadi_2002). These data indicate that the variant may be associated with disease. To our knowledge, no experimental evidence demonstrating an impact on protein function has been reported. One clinical diagnostic laboratory has submitted a clinical-significance assessment for this variant to ClinVar (after 2014) and classified the variant as pathogenic. Based on the evidence outlined above, the variant was classified as likely pathogenic.

The ITHANET community portal, The Cyprus Institute of Neurology and Genetics
Classification: Pathogenic for beta Thalassemia. Last evaluated: 2019-11-25. Review status: no assertion criteria provided. Collection method: curation. Allele origin: germline. Not counted in ClinVar's aggregate classification.

Literature cited by the submitters: PubMed 12368169 (cited by Quest Diagnostics Nichols Institute San Juan Capistrano and Women's Health and Genetics/Laboratory Corporation of America, LabCorp); PubMed 31286593 (cited by Quest Diagnostics Nichols Institute San Juan Capistrano); PubMed 38322302 (cited by Quest Diagnostics Nichols Institute San Juan Capistrano); PubMed 33335418 (cited by Quest Diagnostics Nichols Institute San Juan Capistrano); PubMed 9101288 (cited by 3 submitters); PubMed 22975760 (cited by Quest Diagnostics Nichols Institute San Juan Capistrano and Women's Health and Genetics/Laboratory Corporation of America, LabCorp); PubMed 26290351 (cited by Quest Diagnostics Nichols Institute San Juan Capistrano and Women's Health and Genetics/Laboratory Corporation of America, LabCorp).

NM_000518.5(HBB):c.316-1G>T

Genes: HBB (hemoglobin subunit beta; minus strand), LOC107133510 (origin of replication at HBB; plus strand), LOC110006319 (beta-globin gene 3' regulatory region; plus strand). Cytogenetic location: 11p15.4.
Variant type: single nucleotide variant.
Coding change: c.316-1G>T on transcript NM_000518.5 (MANE Select); the canonical splice acceptor site of the intron before coding-DNA position 316, G replaced by T.
Molecular consequence: splice acceptor variant.
Genome position (GRCh38, 1-based): chr11:5,225,727, C>A on the plus strand (G>T on the coding strand, the complement: HBB is on the minus strand). VCF-style: chr11-5225727-C-A. GRCh37 (hg19) VCF-style: chr11-5246957-C-A.
Other names: IVS II-850 (G>T).
Identifiers: ClinVar variation 38671 (VCV000038671.15), dbSNP rs33952266, ClinGen allele CA217112852.